The following is an entry in ClinVar:

NM_000037.4(ANK1):c.1446C>T (p.His482=)

Gene: ANK1 (ankyrin 1; minus strand). Cytogenetic location: 8p11.21.
Variant type: single nucleotide variant.
Coding change: c.1446C>T on transcript NM_000037.4 (MANE Select); coding-DNA position 1446, C replaced by T.
Protein change: p.His482=; no amino-acid change (histidine 482 retained).
Molecular consequence: synonymous variant.
Genome position (GRCh38, 1-based): chr8:41,715,808, G>A on the plus strand (C>T on the coding strand, the complement: ANK1 is on the minus strand). VCF-style: chr8-41715808-G-A. GRCh37 (hg19) VCF-style: chr8-41573326-G-A.
Other names: c.1545C>T, p.His515= (NM_001142446.2); c.1446C>T, p.His482= (NM_020475.3, NM_020476.3, NM_020477.3).
Identifiers: ClinVar variation 3059234 (VCV003059234.2), dbSNP rs753512487, ClinGen allele CA4728611.

ClinVar aggregate classification (germline): Likely benign (0 of 4 stars; one submission).

Conditions:
ANK1-related disorder. Also called: ANK1-related condition.

Allele frequency attached by ClinVar (database versions not stated): gnomAD exomes below 0.00001; gnomAD 0.00001; TOPMed 0.00001; ExAC 0.00002.
gnomAD v4.1: 7 of 1,614,132 alleles (0.00043%); highest among the groups gnomAD compares: African/African-American, 0.0013%; no homozygotes.

Submission:

PreventionGenetics, part of Exact Sciences
Classification: Likely benign for ANK1-related condition. Last evaluated: 2019-04-29. Review status: no assertion criteria provided. Collection method: clinical testing. Allele origin: germline.
Comment: This variant is classified as likely benign based on ACMG/AMP sequence variant interpretation guidelines (Richards et al. 2015 PMID: 25741868, with internal and published modifications).